The following is an entry in ClinVar:

ClinVar aggregate classification (germline): Uncertain significance (1 of 4 stars; one submission).

Conditions:
Myopathy, proximal, and ophthalmoplegia (CMYO6). Also called: INCLUSION BODY MYOPATHY 3, AUTOSOMAL DOMINANT; CONGENITAL MYOPATHY 6 WITH OPHTHALMOPLEGIA; MYOPATHY WITH CONGENITAL JOINT CONTRACTURES, OPHTHALMOPLEGIA, AND RIMMED VACUOLES. Identifiers: Orphanet 363677, Orphanet 79091, MedGen C1854106, MONDO:0011577, OMIM 605637.

Submission:

Labcorp Genetics (formerly Invitae), Labcorp
Classification: Uncertain significance for Myopathy, proximal, and ophthalmoplegia. Last evaluated: 2023-01-08. Review status: criteria provided, single submitter. Criteria: Invitae Variant Classification Sherloc (09022015). Collection method: clinical testing. Allele origin: germline.
Comment: Advanced modeling of protein sequence and biophysical properties (such as structural, functional, and spatial information, amino acid conservation, physicochemical variation, residue mobility, and thermodynamic stability) performed at Invitae indicates that this missense variant is not expected to disrupt MYH2 protein function. In summary, the available evidence is currently insufficient to determine the role of this variant in disease. Therefore, it has been classified as a Variant of Uncertain Significance. This variant has not been reported in the literature in individuals affected with MYH2-related conditions. This variant is not present in population databases (gnomAD no frequency). This sequence change replaces serine, which is neutral and polar, with tyrosine, which is neutral and polar, at codon 46 of the MYH2 protein (p.Ser46Tyr).

NM_017534.6(MYH2):c.137C>A (p.Ser46Tyr)

Genes: MYH2 (myosin heavy chain 2; minus strand), MYHAS (myosin heavy chain gene cluster antisense RNA; plus strand). Cytogenetic location: 17p13.1.
Variant type: single nucleotide variant.
Coding change: c.137C>A on transcript NM_017534.6 (MANE Select); coding-DNA position 137, C replaced by A.
Protein change: p.Ser46Tyr; replaces serine 46 with tyrosine.
Molecular consequence: missense variant.
Genome position (GRCh38, 1-based): chr17:10,547,784, G>T on the plus strand (C>A on the coding strand, the complement: MYH2 is on the minus strand). VCF-style: chr17-10547784-G-T. GRCh37 (hg19) VCF-style: chr17-10451101-G-T.
Other names: c.137C>A, p.Ser46Tyr (NM_001100112.2); short protein forms S46Y.
Identifiers: ClinVar variation 2975761 (VCV002975761.3), dbSNP rs2508480214, ClinGen allele CA398174011.